The following is an entry in ClinVar:

NM_000170.3(GLDC):c.94C>T (p.Pro32Ser)

Gene: GLDC (glycine decarboxylase; minus strand). Cytogenetic location: 9p24.1.
Variant type: single nucleotide variant.
Coding change: c.94C>T on transcript NM_000170.3 (MANE Select); coding-DNA position 94, C replaced by T.
Protein change: p.Pro32Ser; replaces proline 32 with serine.
Molecular consequence: missense variant.
Genome position (GRCh38, 1-based): chr9:6,645,406, G>A on the plus strand (C>T on the coding strand, the complement: GLDC is on the minus strand). VCF-style: chr9-6645406-G-A. GRCh37 (hg19) VCF-style: chr9-6645406-G-A.
Other names: short protein forms P32S.
Identifiers: ClinVar variation 862324 (VCV000862324.8), dbSNP rs1004754180, ClinGen allele CA188663125.
Genomic context (GRCh38, chr9:6,645,406, plus strand): 5'-GGCGCGAGGCCCCAGCCGCGGCGCTGTCCCCGCCGCCACTGCTGCTGTCCCGGCTCCGCG[G>A]CGCCCAGCACGGCCCCGATCCCCCAGCCAGGCGGCGGCCGCCCCCGACCCCGCGGCCCAG-3'
Protein context (NP_000161.2, residues 22-42): LAGGSGPCWA[Pro32Ser]RSRDSSSGGG

ClinVar aggregate classification (germline): Uncertain significance. Review status: criteria provided, multiple submitters, no conflicts (2 of 4 stars). 4 submissions from 4 submitters: Uncertain significance (3). 1 of the submissions does not count toward it. Last evaluated 2024-12-10.

Conditions:
Glycine encephalopathy. Also called: Nonketotic hyperglycinemia; Non-ketotic hyperglycinemia. Identifiers: Orphanet 407, MedGen C0751748, MONDO:0011612, HP:0008288.
Inborn genetic diseases. Identifiers: MedGen C0950123, MeSH D030342.

Allele frequency attached by ClinVar (database versions not stated): gnomAD exomes 0.00007; gnomAD 0.00008; TOPMed 0.00008.

Submissions (4):

GeneDx
Classification: Uncertain significance. Last evaluated: 2024-12-10. Review status: criteria provided, single submitter. Criteria: GeneDx Variant Classification Process June 2021. Collection method: clinical testing. Allele origin: germline. Affected: yes.
Comment: Not observed at significant frequency in large population cohorts (gnomAD); In silico analysis indicates that this missense variant does not alter protein structure/function; Has not been previously published as pathogenic or benign to our knowledge

Ambry Genetics
Classification: Uncertain significance for Inborn genetic diseases. Last evaluated: 2023-12-27. Review status: criteria provided, single submitter. Criteria: Ambry Variant Classification Scheme 2023. Collection method: clinical testing. Allele origin: germline.

Labcorp Genetics (formerly Invitae), Labcorp
Classification: Uncertain significance for Glycine encephalopathy. Last evaluated: 2022-10-17. Review status: criteria provided, single submitter. Criteria: Invitae Variant Classification Sherloc (09022015). Collection method: clinical testing. Allele origin: germline.
Comment: This sequence change replaces proline, which is neutral and non-polar, with serine, which is neutral and polar, at codon 32 of the GLDC protein (p.Pro32Ser). This variant is not present in population databases (gnomAD no frequency). This variant has not been reported in the literature in individuals affected with GLDC-related conditions. ClinVar contains an entry for this variant (Variation ID: 862324). Algorithms developed to predict the effect of missense changes on protein structure and function (SIFT, PolyPhen-2, Align-GVGD) all suggest that this variant is likely to be tolerated. In summary, the available evidence is currently insufficient to determine the role of this variant in disease. Therefore, it has been classified as a Variant of Uncertain Significance.

Natera, Inc.
Classification: Uncertain significance for Non-ketotic hyperglycinemia. Last evaluated: 2020-07-09. Review status: no assertion criteria provided. Collection method: clinical testing. Allele origin: germline. Not counted in ClinVar's aggregate classification.